The following is an entry in ClinVar:

NM_001354483.2(CSGALNACT1):c.230G>A (p.Arg77Gln)

Gene: CSGALNACT1 (chondroitin sulfate N-acetylgalactosaminyltransferase 1; minus strand). Cytogenetic location: 8p21.3.
Variant type: single nucleotide variant.
Coding change: c.230G>A on transcript NM_001354483.2 (MANE Select); coding-DNA position 230, G replaced by A.
Protein change: p.Arg77Gln; replaces arginine 77 with glutamine.
Molecular consequence: missense variant. On other transcripts: non-coding transcript variant (7).
Genome position (GRCh38, 1-based): chr8:19,505,605, C>T on the plus strand (G>A on the coding strand, the complement: CSGALNACT1 is on the minus strand). VCF-style: chr8-19505605-C-T. GRCh37 (hg19) VCF-style: chr8-19363116-C-T.
Other names: c.230G>A, p.Arg77Gln (NM_001130518.2, NM_001354475.2, NM_001354476.2 and 18 more transcripts); c.230G>A (NM_001130518.1); short protein forms R77Q.
Identifiers: ClinVar variation 2139901 (VCV002139901.3), dbSNP rs145148990, ClinGen allele CA4654313.

ClinVar aggregate classification (germline): Uncertain significance. Review status: criteria provided, multiple submitters, no conflicts (2 of 4 stars). 3 submissions from 3 submitters: Uncertain significance (3). Last evaluated 2024-10-06.

Conditions:
Inborn genetic diseases. Identifiers: MedGen C0950123, MeSH D030342.

Allele frequency attached by ClinVar (database versions not stated): ExAC 0.00004; gnomAD exomes 0.00004; gnomAD 0.00007; TOPMed 0.00011; ESP Exome Variant Server 0.00015; 1000 Genomes Project 30x 0.00016; 1000 Genomes Project 0.00020.
gnomAD v4.1: 63 of 1,614,102 alleles (0.0039%); highest among the groups gnomAD compares: African/African-American, 0.016%; no homozygotes.

Submissions (3):

Ambry Genetics
Classification: Uncertain significance for Inborn genetic diseases. Last evaluated: 2024-10-06. Review status: criteria provided, single submitter. Criteria: Ambry Variant Classification Scheme 2023. Collection method: clinical testing. Allele origin: germline.

Labcorp Genetics (formerly Invitae), Labcorp
Classification: Uncertain significance. Last evaluated: 2022-08-19. Review status: criteria provided, single submitter. Criteria: Invitae Variant Classification Sherloc (09022015). Collection method: clinical testing. Allele origin: germline.
Comment: This sequence change replaces arginine, which is basic and polar, with glutamine, which is neutral and polar, at codon 77 of the CSGALNACT1 protein (p.Arg77Gln). This variant is present in population databases (rs145148990, gnomAD 0.009%). This variant has not been reported in the literature in individuals affected with CSGALNACT1-related conditions. Algorithms developed to predict the effect of missense changes on protein structure and function (SIFT, PolyPhen-2, Align-GVGD) all suggest that this variant is likely to be tolerated. In summary, the available evidence is currently insufficient to determine the role of this variant in disease. Therefore, it has been classified as a Variant of Uncertain Significance.

Breakthrough Genomics
Classification: Uncertain significance. Review status: criteria provided, single submitter. Criteria: ACMG Guidelines, 2015. Collection method: not provided. Allele origin: germline. Inheritance: Autosomal recessive inheritance. Affected: yes.